The following is an entry in ClinVar:

ClinVar aggregate classification (germline): Uncertain significance (1 of 4 stars; one submission).

Allele frequency attached by ClinVar (database versions not stated): gnomAD exomes below 0.00001.
gnomAD v4.1: 1 of 1,613,880 alleles (0.000062%); highest among the groups gnomAD compares: Non-Finnish European, 0.000085%; no homozygotes.

Submission:

Labcorp Genetics (formerly Invitae), Labcorp
Classification: Uncertain significance. Last evaluated: 2021-04-20. Review status: criteria provided, single submitter. Criteria: Invitae Variant Classification Sherloc (09022015). Collection method: clinical testing. Allele origin: germline.
Comment: This variant is not present in population databases (ExAC no frequency). This sequence change replaces glycine with arginine at codon 1890 of the USH2A protein (p.Gly1890Arg). The glycine residue is highly conserved and there is a moderate physicochemical difference between glycine and arginine. This variant has not been reported in the literature in individuals with USH2A-related conditions. In summary, the available evidence is currently insufficient to determine the role of this variant in disease. Therefore, it has been classified as a Variant of Uncertain Significance. Algorithms developed to predict the effect of missense changes on protein structure and function (SIFT, PolyPhen-2, Align-GVGD) all suggest that this variant is likely to be disruptive, but these predictions have not been confirmed by published functional studies and their clinical significance is uncertain.

NM_206933.4(USH2A):c.5668G>A (p.Gly1890Arg)

Genes: USH2A (usherin; minus strand), USH2A-AS2 (USH2A antisense RNA 2; plus strand). Cytogenetic location: 1q41.
Variant type: single nucleotide variant.
Coding change: c.5668G>A on transcript NM_206933.4 (MANE Select); coding-DNA position 5668, G replaced by A.
Protein change: p.Gly1890Arg; replaces glycine 1890 with arginine.
Molecular consequence: missense variant.
Genome position (GRCh38, 1-based): chr1:216,073,205, C>T on the plus strand (G>A on the coding strand, the complement: USH2A is on the minus strand). VCF-style: chr1-216073205-C-T. GRCh37 (hg19) VCF-style: chr1-216246547-C-T.
Other names: short protein forms G1890R.
Identifiers: ClinVar variation 1411986 (VCV001411986.8), dbSNP rs2102549065, ClinGen allele CA344854493.
Genomic context (GRCh38, chr1:216,073,205, plus strand): 5'-GGTAAACCAGGATGGAGTCATTTCCCCTGCAGTTAACAGCACTGTCAGTTGATAGGCATC[C>T]ATCCAGATTGACTCTGACAGCACCGCTGGACACAGATGCCAAGTTAACGACAGCACCCCG-3'
Protein context (NP_996816.3, residues 1880-1900): SSGAVRVNLD[Gly1890Arg]CLSTDSAVNC